The following is an entry in ClinVar:

NM_001085487.3(MYSM1):c.971A>G (p.Asn324Ser)

Gene: MYSM1 (Myb like, SWIRM and MPN domains 1; minus strand). Cytogenetic location: 1p32.1.
Variant type: single nucleotide variant.
Coding change: c.971A>G on transcript NM_001085487.3 (MANE Select); coding-DNA position 971, A replaced by G.
Protein change: p.Asn324Ser; replaces asparagine 324 with serine.
Molecular consequence: missense variant.
Genome position (GRCh38, 1-based): chr1:58,682,073, T>C on the plus strand (A>G on the coding strand, the complement: MYSM1 is on the minus strand). VCF-style: chr1-58682073-T-C. GRCh37 (hg19) VCF-style: chr1-59147745-T-C.
Other names: c.971A>G (NM_001085487.2); short protein forms N324S.
Identifiers: ClinVar variation 1388334 (VCV001388334.7), dbSNP rs756475573, ClinGen allele CA877928.

ClinVar aggregate classification (germline): Uncertain significance. Review status: criteria provided, multiple submitters, no conflicts (2 of 4 stars). 2 submissions from 2 submitters: Uncertain significance (2). Last evaluated 2025-02-12.

Conditions:
Inborn genetic diseases. Identifiers: MedGen C0950123, MeSH D030342.

Allele frequency attached by ClinVar (database versions not stated): TOPMed 0.00002; gnomAD exomes 0.00002; gnomAD 0.00003; ExAC 0.00001.
gnomAD v4.1: 61 of 1,614,068 alleles (0.0038%); highest among the groups gnomAD compares: Non-Finnish European, 0.0047%; no homozygotes.

Submissions (2):

Ambry Genetics
Classification: Uncertain significance for Inborn genetic diseases. Last evaluated: 2025-02-12. Review status: criteria provided, single submitter. Criteria: Ambry Variant Classification Scheme 2023. Collection method: clinical testing. Allele origin: germline.

Labcorp Genetics (formerly Invitae), Labcorp
Classification: Uncertain significance. Last evaluated: 2022-12-29. Review status: criteria provided, single submitter. Criteria: Invitae Variant Classification Sherloc (09022015). Collection method: clinical testing. Allele origin: germline.
Comment: In summary, the available evidence is currently insufficient to determine the role of this variant in disease. Therefore, it has been classified as a Variant of Uncertain Significance. Advanced modeling of protein sequence and biophysical properties (such as structural, functional, and spatial information, amino acid conservation, physicochemical variation, residue mobility, and thermodynamic stability) performed at Invitae indicates that this missense variant is not expected to disrupt MYSM1 protein function. ClinVar contains an entry for this variant (Variation ID: 1388334). This variant has not been reported in the literature in individuals affected with MYSM1-related conditions. This variant is present in population databases (rs756475573, gnomAD 0.004%). This sequence change replaces asparagine, which is neutral and polar, with serine, which is neutral and polar, at codon 324 of the MYSM1 protein (p.Asn324Ser).